The following is an entry in ClinVar:

NM_001999.4(FBN2):c.2606A>C (p.Asn869Thr)

Gene: FBN2 (fibrillin 2; minus strand). Cytogenetic location: 5q23.3.
Variant type: single nucleotide variant.
Coding change: c.2606A>C on transcript NM_001999.4 (MANE Select); coding-DNA position 2606, A replaced by C.
Protein change: p.Asn869Thr; replaces asparagine 869 with threonine.
Molecular consequence: missense variant.
Genome position (GRCh38, 1-based): chr5:128,357,344, T>G on the plus strand (A>C on the coding strand, the complement: FBN2 is on the minus strand). VCF-style: chr5-128357344-T-G. GRCh37 (hg19) VCF-style: chr5-127693036-T-G.
Other names: short protein forms N869T.
Identifiers: ClinVar variation 1793725 (VCV001793725.5), dbSNP rs758075017, ClinGen allele CA360767427.
Genomic context (GRCh38, chr5:128,357,344, plus strand): 5'-ATCAATCCTGTGGAGCTGAGTTTGCTGCCGGGCGAACATTCACAATTGAAAGATCCAAGG[T>G]TGTTTCTGCAGGCCCCATTGACACATGGGTTGCTTTCACATTCATTTATATCTACAATCC-3'
Protein context (NP_001990.2, residues 859-879): NPCVNGACRN[Asn869Thr]LGSFNCECSP

ClinVar aggregate classification (germline): Uncertain significance. Review status: criteria provided, multiple submitters, no conflicts (2 of 4 stars). 2 submissions from 2 submitters: Uncertain significance (2). Last evaluated 2023-08-28.

Conditions:
Familial thoracic aortic aneurysm and aortic dissection (TAAD). Also called: Thoracic aortic aneurysms and dissections. Identifiers: Orphanet 91387, MedGen C4707243, MONDO:0019625.
Congenital contractural arachnodactyly (CCA). Also called: BEALS SYNDROME; Arthrogryposis, distal, type 9; Beals-Hecht syndrome. Identifiers: Orphanet 115, MedGen C0220668, MONDO:0007363, OMIM 121050.

gnomAD v4.1: 4 of 1,613,968 alleles (0.00025%); highest among the groups gnomAD compares: Non-Finnish European, 0.00025%; no homozygotes.

Submissions (2):

Labcorp Genetics (formerly Invitae), Labcorp
Classification: Uncertain significance for Congenital contractural arachnodactyly. Last evaluated: 2023-08-28. Review status: criteria provided, single submitter. Criteria: Invitae Variant Classification Sherloc (09022015). Collection method: clinical testing. Allele origin: germline.
Comment: This sequence change replaces asparagine, which is neutral and polar, with threonine, which is neutral and polar, at codon 869 of the FBN2 protein (p.Asn869Thr). This variant is not present in population databases (gnomAD no frequency). This variant has not been reported in the literature in individuals affected with FBN2-related conditions. ClinVar contains an entry for this variant (Variation ID: 1793725). Advanced modeling of protein sequence and biophysical properties (such as structural, functional, and spatial information, amino acid conservation, physicochemical variation, residue mobility, and thermodynamic stability) performed at Invitae indicates that this missense variant is not expected to disrupt FBN2 protein function. In summary, the available evidence is currently insufficient to determine the role of this variant in disease. Therefore, it has been classified as a Variant of Uncertain Significance.

Ambry Genetics
Classification: Uncertain significance for Familial thoracic aortic aneurysm and aortic dissection. Last evaluated: 2021-07-07. Review status: criteria provided, single submitter. Criteria: Ambry Variant Classification Scheme 2023. Collection method: clinical testing. Allele origin: germline.
Comment: The p.N869T variant (also known as c.2606A>C), located in coding exon 20 of the FBN2 gene, results from an A to C substitution at nucleotide position 2606. The asparagine at codon 869 is replaced by threonine, an amino acid with similar properties. This amino acid position is not well conserved in available vertebrate species. In addition, this alteration is predicted to be tolerated by in silico analysis. Since supporting evidence is limited at this time, the clinical significance of this alteration remains unclear.